The following is an entry in ClinVar:

ClinVar aggregate classification (germline): Pathogenic (1 of 4 stars; one submission).

Submission:

Labcorp Genetics (formerly Invitae), Labcorp
Classification: Pathogenic. Last evaluated: 2023-10-13. Review status: criteria provided, single submitter. Criteria: Invitae Variant Classification Sherloc (09022015). Collection method: clinical testing. Allele origin: germline.
Comment: This sequence change creates a premature translational stop signal (p.Ile690Valfs*4) in the SLC12A6 gene. It is expected to result in an absent or disrupted protein product. Loss-of-function variants in SLC12A6 are known to be pathogenic (PMID: 12368912, 16606917). This variant is not present in population databases (gnomAD no frequency). This variant has not been reported in the literature in individuals affected with SLC12A6-related conditions. For these reasons, this variant has been classified as Pathogenic.

Literature cited by the submitters: PubMed 12368912; PubMed 16606917.

NM_001365088.1(SLC12A6):c.2068_2071del (p.Ile690fs)

Gene: SLC12A6 (solute carrier family 12 member 6; minus strand). Cytogenetic location: 15q14.
Variant type: Deletion.
Coding change: c.2068_2071del on transcript NM_001365088.1 (MANE Select); coding-DNA positions 2068 to 2071, 4 bases deleted (ATCT; older notation c.2068_2071delATCT).
Protein change: p.Ile690fs; shifts the reading frame from isoleucine 690.
Molecular consequence: frameshift variant.
Genome position (GRCh38, 1-based): chr15:34,242,193-34,242,196, AGAT deleted on the plus strand (ATCT on the coding strand, the reverse complement: SLC12A6 is on the minus strand); deleting any 4 consecutive bases within chr15:34,242,193-34,242,197 gives the same sequence; the c. name uses the placement nearest the transcript's 3' end. VCF-style (leftmost placement, unchanged base first): chr15-34242192-CAGAT-C. GRCh37 (hg19) VCF-style: chr15-34534393-CAGAT-C.
Other names: c.1891_1894del, p.Ile631fs (NM_001042494.2, NM_001042495.2); c.2041_2044del, p.Ile681fs (NM_001042496.2); c.2023_2026del, p.Ile675fs (NM_001042497.2); c.1915_1918del, p.Ile639fs (NM_005135.2); c.2068_2071del, p.Ile690fs (NM_133647.2); short protein forms I690fs, I639fs, I675fs, I681fs, I631fs.
Identifiers: ClinVar variation 2767874 (VCV002767874.3), dbSNP rs2509767575, ClinGen allele CA2697554302.